The following is an entry in ClinVar:

ClinVar aggregate classification (germline): Pathogenic/Likely pathogenic. Review status: criteria provided, multiple submitters, no conflicts (2 of 4 stars). 3 submissions from 3 submitters: Pathogenic (1); Likely pathogenic (2). Last evaluated 2025-07-28.

Conditions:
Joubert syndrome 17 (JBTS17). Identifiers: Orphanet 475, MedGen C3553264, MONDO:0013824, OMIM 614615.

Allele frequency attached by ClinVar (database versions not stated): gnomAD exomes below 0.00001; TOPMed below 0.00001; gnomAD 0.00001.

Submissions (3):

Labcorp Genetics (formerly Invitae), Labcorp
Classification: Pathogenic. Last evaluated: 2025-07-28. Review status: criteria provided, single submitter. Criteria: Invitae Variant Classification Sherloc (09022015). Collection method: clinical testing. Allele origin: germline.
Comment: This sequence change creates a premature translational stop signal (p.Leu1386Serfs*16) in the CPLANE1 gene. It is expected to result in an absent or disrupted protein product. Loss-of-function variants in CPLANE1 are known to be pathogenic (PMID: 24178751, 26092869). This variant is not present in population databases (gnomAD no frequency). This variant has not been reported in the literature in individuals affected with CPLANE1-related conditions. ClinVar contains an entry for this variant (Variation ID: 1456531). For these reasons, this variant has been classified as Pathogenic.

Revvity Omics, Revvity
Classification: Likely pathogenic. Last evaluated: 2023-05-22. Review status: criteria provided, single submitter. Criteria: ACMG Guidelines, 2015. Collection method: clinical testing. Allele origin: germline.

Laboratorio de Genetica e Diagnostico Molecular, Hospital Israelita Albert Einstein
Classification: Likely pathogenic for Joubert syndrome 17. Last evaluated: 2022-09-26. Review status: criteria provided, single submitter. Criteria: ACMG Guidelines, 2015. Collection method: clinical testing. Allele origin: germline. Affected: yes. Observed: 2 variant alleles.
Comment: ACMG classification criteria: PVS1 very strong, PM2 moderated

Literature cited by the submitters: PubMed 24178751 (cited by Labcorp Genetics (formerly Invitae), Labcorp); PubMed 26092869 (cited by Labcorp Genetics (formerly Invitae), Labcorp).

NM_001384732.1(CPLANE1):c.4155dup (p.Leu1386fs)

Gene: CPLANE1 (ciliogenesis and planar polarity effector complex subunit 1; minus strand). Cytogenetic location: 5p13.2.
Variant type: Duplication.
Coding change: c.4155dup on transcript NM_001384732.1 (MANE Select); coding-DNA position 4155, one base duplicated (T; older notation c.4155dupT).
Protein change: p.Leu1386fs; shifts the reading frame from leucine 1386.
Molecular consequence: frameshift variant.
Genome position (GRCh38, 1-based): chr5:37,186,320, A duplicated on the plus strand (T on the coding strand, the reverse complement: CPLANE1 is on the minus strand). VCF-style (leftmost placement, unchanged base first): chr5-37186319-G-GA. GRCh37 (hg19) VCF-style: chr5-37186421-G-GA.
Other names: c.4155dup (NM_023073.3); c.4155dup, p.Leu1386fs (NM_023073.4); short protein forms L1386fs.
Identifiers: ClinVar variation 1456531 (VCV001456531.8), dbSNP rs1398880084, ClinGen allele CA443924722.